The following is an entry in ClinVar:

NM_006218.4(PIK3CA):c.667G>A (p.Glu223Lys)

Gene: PIK3CA (phosphatidylinositol-4,5-bisphosphate 3-kinase catalytic subunit alpha; plus strand). Cytogenetic location: 3q26.32.
Variant type: single nucleotide variant.
Coding change: c.667G>A on transcript NM_006218.4 (MANE Select); coding-DNA position 667, G replaced by A.
Protein change: p.Glu223Lys; replaces glutamic acid 223 with lysine.
Molecular consequence: missense variant.
Genome position (GRCh38, 1-based): chr3:179,201,394, G>A. VCF-style: chr3-179201394-G-A. GRCh37 (hg19) VCF-style: chr3-178919182-G-A.
Other names: short protein forms E223K.
Identifiers: ClinVar variation 3418530 (VCV003418530.1).

ClinVar aggregate classification (germline): Uncertain significance (1 of 4 stars; one submission).

Conditions:
Inborn genetic diseases. Identifiers: MedGen C0950123, MeSH D030342.

Submission:

Ambry Genetics
Classification: Uncertain significance for Inborn genetic diseases. Last evaluated: 2024-09-16. Review status: criteria provided, single submitter. Criteria: Ambry Variant Classification Scheme 2023. Collection method: clinical testing. Allele origin: germline.
Comment: The p.E223K variant (also known as c.667G>A), located in coding exon 3 of the PIK3CA gene, results from a G to A substitution at nucleotide position 667. The glutamic acid at codon 223 is replaced by lysine, an amino acid with similar properties. This amino acid position is conserved. In addition, the in silico prediction for this alteration is inconclusive. Based on the available evidence, the clinical significance of this variant remains unclear.